The following is an entry in ClinVar:

NM_007103.4(NDUFV1):c.831C>T (p.Asn277=)

Gene: NDUFV1 (NADH:ubiquinone oxidoreductase core subunit V1; plus strand). Cytogenetic location: 11q13.2.
Variant type: single nucleotide variant.
Coding change: c.831C>T on transcript NM_007103.4 (MANE Select); coding-DNA position 831, C replaced by T.
Protein change: p.Asn277=; no amino-acid change (asparagine 277 retained).
Molecular consequence: synonymous variant.
Genome position (GRCh38, 1-based): chr11:67,611,125, C>T. VCF-style: chr11-67611125-C-T. GRCh37 (hg19) VCF-style: chr11-67378596-C-T.
Other names: c.804C>T, p.Asn268= (NM_001166102.2).
Identifiers: ClinVar variation 380653 (VCV000380653.37), dbSNP rs139299777, ClinGen allele CA6143295.

ClinVar aggregate classification (germline): Conflicting classifications of pathogenicity. Review status: criteria provided, conflicting classifications (1 of 4 stars). 7 submissions from 6 submitters: Uncertain significance (2); Benign (1); Likely benign (4). Last evaluated 2026-01-27.

Conditions:
NDUFV1-related disorder. Also called: NDUFV1-related condition; NDUFV1-related disorders.
Mitochondrial complex I deficiency, nuclear type 1. Also called: NADH-COENZYME Q REDUCTASE DEFICIENCY; MITOCHONDRIAL NADH DEHYDROGENASE COMPONENT OF COMPLEX I, DEFICIENCY OF. Identifiers: MedGen C6022305, MONDO:0100224, OMIM 252010.
Leigh syndrome (NULS). Also called: Subacute necrotizing encephalopathy; Necrotizing encephalopathy infantile subacute of Leigh; LEIGH SYNDROME, NUCLEAR; Leigh Syndrome (mtDNA deletion); Leigh's syndrome; Leigh's necrotizing encephalopathy. Identifiers: Orphanet 506, MedGen C2931891, MONDO:0009723, OMIM 256000.

Allele frequency attached by ClinVar (database versions not stated): gnomAD exomes 0.00019 and 0.00032; gnomAD 0.00020 and 0.00022; TOPMed 0.00025; ExAC 0.00031; ESP Exome Variant Server 0.00046.
gnomAD v4.1: 319 of 1,614,252 alleles (0.02%); highest among the groups gnomAD compares: Middle Eastern, 0.033%; no homozygotes.

Submissions (7):

Labcorp Genetics (formerly Invitae), Labcorp
Classification: Benign. Last evaluated: 2026-01-27. Review status: criteria provided, single submitter. Criteria: Invitae Variant Classification Sherloc (09022015). Collection method: clinical testing. Allele origin: germline.

PreventionGenetics, part of Exact Sciences
Classification: Likely benign for NDUFV1-related condition. Last evaluated: 2025-08-04. Review status: criteria provided, single submitter. Criteria: ACMG Guidelines, 2015. Collection method: clinical testing. Allele origin: germline.
Comment: This variant is classified as likely benign based on ACMG/AMP sequence variant interpretation guidelines (Richards et al. 2015 PMID: 25741868, with internal and published modifications).

Blueprint Genetics
Classification: Likely benign. Last evaluated: 2024-10-15. Review status: criteria provided, single submitter. Criteria: ACMG Guidelines, 2015. Collection method: clinical testing. Allele origin: germline.

CeGaT Center for Human Genetics Tuebingen
Classification: Likely benign. Last evaluated: 2024-06-01. Review status: criteria provided, single submitter. Criteria: CeGaT Center For Human Genetics Tuebingen Variant Classification Criteria Version 2. Collection method: clinical testing. Allele origin: germline. Affected: yes. Observed: 1 variant allele.
Comment: NDUFV1: BP4, BP7

GeneDx
Classification: Likely benign. Last evaluated: 2020-04-08. Review status: criteria provided, single submitter. Criteria: GeneDx Variant Classification Process June 2021. Collection method: clinical testing. Allele origin: germline. Affected: yes.

Illumina Laboratory Services, Illumina
Classification: Uncertain significance for Leigh syndrome. Last evaluated: 2017-04-27. Review status: criteria provided, single submitter. Criteria: ICSL Variant Classification Criteria 13 December 2019. Collection method: clinical testing. Allele origin: germline.

Illumina Laboratory Services, Illumina
Classification: Uncertain significance for Mitochondrial complex I deficiency, nuclear type 1. Last evaluated: 2017-04-27. Review status: criteria provided, single submitter. Criteria: ICSL Variant Classification Criteria 13 December 2019. Collection method: clinical testing. Allele origin: germline.